The following is an entry in ClinVar:

ClinVar aggregate classification (germline): Conflicting classifications of pathogenicity. Review status: criteria provided, conflicting classifications (1 of 4 stars). 6 submissions from 6 submitters: Uncertain significance (1); Likely benign (4). 1 of the submissions does not count toward it. Last evaluated 2026-01-11.

Conditions:
Cardiovascular phenotype. Identifiers: MedGen CN230736.
ABCG8-related disorder. Also called: ABCG8-related condition.

Allele frequency attached by ClinVar (database versions not stated): gnomAD exomes 0.00005 and 0.00013; ExAC 0.00015; TOPMed 0.00041; ESP Exome Variant Server 0.00046; gnomAD 0.00048 and 0.00051; 1000 Genomes Project 0.00060; 1000 Genomes Project 30x 0.00062.
gnomAD v4.1: 148 of 1,609,566 alleles (0.0092%); highest among the groups gnomAD compares: African/African-American, 0.19%; no homozygotes.

Submissions (6):

Labcorp Genetics (formerly Invitae), Labcorp
Classification: Likely benign. Last evaluated: 2026-01-11. Review status: criteria provided, single submitter. Criteria: Invitae Variant Classification Sherloc (09022015). Collection method: clinical testing. Allele origin: germline.

Blueprint Genetics
Classification: Likely benign. Last evaluated: 2024-08-30. Review status: criteria provided, single submitter. Criteria: ACMG Guidelines, 2015. Collection method: clinical testing. Allele origin: germline.

Women's Health and Genetics/Laboratory Corporation of America, LabCorp
Classification: Likely benign. Last evaluated: 2024-07-27. Review status: criteria provided, single submitter. Criteria: LabCorp Variant Classification Summary - May 2015. Collection method: clinical testing. Allele origin: germline.

Ambry Genetics
Classification: Likely benign for Cardiovascular phenotype. Last evaluated: 2022-02-11. Review status: criteria provided, single submitter. Criteria: Ambry Variant Classification Scheme 2023. Collection method: clinical testing. Allele origin: germline.

Eurofins Ntd Llc (ga)
Classification: Uncertain significance. Last evaluated: 2017-05-02. Review status: criteria provided, single submitter. Criteria: EGL Classification Definitions 2015. Collection method: clinical testing. Allele origin: germline. Observed: 5 variant alleles, 5 heterozygotes.

PreventionGenetics, part of Exact Sciences
Classification: Likely benign for ABCG8-related condition. Last evaluated: 2021-10-02. Review status: no assertion criteria provided. Collection method: clinical testing. Allele origin: germline. Not counted in ClinVar's aggregate classification.
Comment: This variant is classified as likely benign based on ACMG/AMP sequence variant interpretation guidelines (Richards et al. 2015 PMID: 25741868, with internal and published modifications).

NM_022437.3(ABCG8):c.1416C>T (p.Tyr472=)

Gene: ABCG8 (ATP binding cassette subfamily G member 8; plus strand). Cytogenetic location: 2p21.
Variant type: single nucleotide variant.
Coding change: c.1416C>T on transcript NM_022437.3 (MANE Select); coding-DNA position 1416, C replaced by T.
Protein change: p.Tyr472=; no amino-acid change (tyrosine 472 retained).
Molecular consequence: synonymous variant.
Genome position (GRCh38, 1-based): chr2:43,874,411, C>T. VCF-style: chr2-43874411-C-T. GRCh37 (hg19) VCF-style: chr2-44101550-C-T.
Other names: c.1413C>T, p.Tyr471= (NM_001357321.2).
Identifiers: ClinVar variation 289188 (VCV000289188.18), dbSNP rs144399404, ClinGen allele CA1637450.
Genomic context (GRCh38, chr2:43,874,411, plus strand): 5'-AGCACTGTAGATTTATTCTACTTCTTCATTCTCTTTTCCTTTCCCTTACTTTTTAGGTTA[C>T]TCAGAGAGGGCAATGCTTTACTATGAACTGGAAGACGGGCTGTACACCACTGGTCCATAT-3'
Protein context (NP_071882.1, residues 462-482): NVILDVISKC[Tyr472=]SERAMLYYEL